The following is an entry in ClinVar:

ClinVar aggregate classification (germline): Uncertain significance (1 of 4 stars; one submission).

Submission:

Labcorp Genetics (formerly Invitae), Labcorp
Classification: Uncertain significance. Last evaluated: 2022-01-15. Review status: criteria provided, single submitter. Criteria: Invitae Variant Classification Sherloc (09022015). Collection method: clinical testing. Allele origin: germline.
Comment: In summary, the available evidence is currently insufficient to determine the role of this variant in disease. Therefore, it has been classified as a Variant of Uncertain Significance. This sequence change replaces valine, which is neutral and non-polar, with phenylalanine, which is neutral and non-polar, at codon 2089 of the POLE protein (p.Val2089Phe). This variant is not present in population databases (gnomAD no frequency). This variant has not been reported in the literature in individuals affected with POLE-related conditions. ClinVar contains an entry for this variant (Variation ID: 849679). Algorithms developed to predict the effect of missense changes on protein structure and function are either unavailable or do not agree on the potential impact of this missense change (SIFT: "Deleterious"; PolyPhen-2: "Benign"; Align-GVGD: "Class C0").

NM_006231.4(POLE):c.6265G>T (p.Val2089Phe)

Gene: POLE (DNA polymerase epsilon, catalytic subunit; minus strand). Cytogenetic location: 12q24.33.
Variant type: single nucleotide variant.
Coding change: c.6265G>T on transcript NM_006231.4 (MANE Select); coding-DNA position 6265, G replaced by T.
Protein change: p.Val2089Phe; replaces valine 2089 with phenylalanine.
Molecular consequence: missense variant.
Genome position (GRCh38, 1-based): chr12:132,632,380, C>A on the plus strand (G>T on the coding strand, the complement: POLE is on the minus strand). VCF-style: chr12-132632380-C-A. GRCh37 (hg19) VCF-style: chr12-133208966-C-A.
Other names: short protein forms V2089F.
Identifiers: ClinVar variation 849679 (VCV000849679.9), dbSNP rs2041950521, ClinGen allele CA387369474.